The following is an entry in ClinVar:

ClinVar aggregate classification (germline): Pathogenic/Likely pathogenic. Review status: criteria provided, multiple submitters, no conflicts (2 of 4 stars). 4 submissions from 4 submitters: Pathogenic (3); Likely pathogenic (1). Last evaluated 2025-12-29.

Conditions:
ABCG8-related disorder. Also called: ABCG8-related condition.
Sitosterolemia 1. Identifiers: MedGen C2749759, MONDO:0020747, OMIM 210250.

Allele frequency attached by ClinVar (database versions not stated): gnomAD 0.00001; gnomAD exomes 0.00001 and 0.00002; TOPMed 0.00002.
gnomAD v4.1: 34 of 1,612,800 alleles (0.0021%); highest among the groups gnomAD compares: Non-Finnish European, 0.0029%; no homozygotes.

Submissions (4):

Labcorp Genetics (formerly Invitae), Labcorp
Classification: Pathogenic. Last evaluated: 2025-12-29. Review status: criteria provided, single submitter. Criteria: Invitae Variant Classification Sherloc (09022015). Collection method: clinical testing. Allele origin: germline.
Comment: This sequence change affects an acceptor splice site in intron 1 of the ABCG8 gene. It is expected to disrupt RNA splicing. Variants that disrupt the donor or acceptor splice site typically lead to a loss of protein function (PMID: 16199547), and loss-of-function variants in ABCG8 are known to be pathogenic (PMID: 11452359, 15375183, 16029460). This variant is present in population databases (no rsID available, gnomAD 0.003%). Disruption of this splice site has been observed in individuals with sitosterolemia (PMID: 11452359). This variant is also known as IVS1-2A>G. ClinVar contains an entry for this variant (Variation ID: 499942). Algorithms developed to predict the effect of sequence changes on RNA splicing suggest that this variant may disrupt the consensus splice site. For these reasons, this variant has been classified as Pathogenic.

PreventionGenetics, part of Exact Sciences
Classification: Likely pathogenic for ABCG8-related condition. Last evaluated: 2025-05-15. Review status: criteria provided, single submitter. Criteria: ACMG Guidelines, 2015. Collection method: clinical testing. Allele origin: germline.
Comment: The ABCG8 c.64-2A>G variant is predicted to disrupt the AG splice acceptor site and interfere with normal splicing. This variant is predicted to result in an in-frame transcript. This variant was reported along with a second ABCG8 variant in several individuals with sitosterolemia (described as IVS1-2 A>G in Table 2, Lu et al 2001. PubMed ID: 11452359). This variant is reported in 0.0031% of alleles in individuals of European (Non-Finnish) descent in gnomAD. This variant is interpreted as likely pathogenic.

Revvity Omics, Revvity
Classification: Pathogenic for Sitosterolemia 1. Last evaluated: 2024-08-28. Review status: criteria provided, single submitter. Criteria: ACMG Guidelines, 2015. Collection method: clinical testing. Allele origin: germline.

Eurofins Ntd Llc (ga)
Classification: Pathogenic. Last evaluated: 2017-01-13. Review status: criteria provided, single submitter. Criteria: EGL Classification Definitions 2015. Collection method: clinical testing. Allele origin: germline. Observed: 1 variant allele, 1 heterozygote.

Literature cited by the submitters: PubMed 16199547 (cited by Labcorp Genetics (formerly Invitae), Labcorp); PubMed 11452359 (cited by Labcorp Genetics (formerly Invitae), Labcorp); PubMed 15375183 (cited by Labcorp Genetics (formerly Invitae), Labcorp); PubMed 16029460 (cited by Labcorp Genetics (formerly Invitae), Labcorp).

NM_022437.3(ABCG8):c.64-2A>G

Gene: ABCG8 (ATP binding cassette subfamily G member 8; plus strand). Cytogenetic location: 2p21.
Variant type: single nucleotide variant.
Coding change: c.64-2A>G on transcript NM_022437.3 (MANE Select); the canonical splice acceptor site of the intron before coding-DNA position 64, A replaced by G.
Molecular consequence: splice acceptor variant.
Genome position (GRCh38, 1-based): chr2:43,844,505, A>G. VCF-style: chr2-43844505-A-G. GRCh37 (hg19) VCF-style: chr2-44071644-A-G.
Other names: c.64-2A>G (NM_022437.2, NM_001357321.2).
Identifiers: ClinVar variation 499942 (VCV000499942.11), dbSNP rs934115584, ClinGen allele CA46432451.